The following is an entry in ClinVar:

ClinVar aggregate classification (germline): Uncertain significance. Review status: criteria provided, multiple submitters, no conflicts (2 of 4 stars). 3 submissions from 3 submitters: Uncertain significance (3). Last evaluated 2023-05-22.

Conditions:
Inborn genetic diseases. Identifiers: MedGen C0950123, MeSH D030342.

Allele frequency attached by ClinVar (database versions not stated): ExAC 0.00001; gnomAD exomes 0.00001; gnomAD 0.00003 and 0.00004; TOPMed 0.00003; ESP Exome Variant Server 0.00008.

Submissions (3):

Labcorp Genetics (formerly Invitae), Labcorp
Classification: Uncertain significance. Last evaluated: 2023-05-22. Review status: criteria provided, single submitter. Criteria: Invitae Variant Classification Sherloc (09022015). Collection method: clinical testing. Allele origin: germline.
Comment: This variant is present in population databases (rs376991847, gnomAD 0.002%). This variant has not been reported in the literature in individuals affected with CAPN5-related conditions. ClinVar contains an entry for this variant (Variation ID: 938890). Advanced modeling of protein sequence and biophysical properties (such as structural, functional, and spatial information, amino acid conservation, physicochemical variation, residue mobility, and thermodynamic stability) performed at Invitae indicates that this missense variant is expected to disrupt CAPN5 protein function. In summary, the available evidence is currently insufficient to determine the role of this variant in disease. Therefore, it has been classified as a Variant of Uncertain Significance. This sequence change replaces arginine, which is basic and polar, with tryptophan, which is neutral and slightly polar, at codon 139 of the CAPN5 protein (p.Arg139Trp).

Blueprint Genetics
Classification: Uncertain significance. Last evaluated: 2022-11-21. Review status: criteria provided, single submitter. Criteria: ACMG Guidelines, 2015. Collection method: clinical testing. Allele origin: germline.

Ambry Genetics
Classification: Uncertain significance for Inborn genetic diseases. Last evaluated: 2022-07-14. Review status: criteria provided, single submitter. Criteria: Ambry Variant Classification Scheme 2023. Collection method: clinical testing. Allele origin: germline.

NM_004055.5(CAPN5):c.415C>T (p.Arg139Trp)

Gene: CAPN5 (calpain 5; plus strand). Cytogenetic location: 11q13.5.
Variant type: single nucleotide variant.
Coding change: c.415C>T on transcript NM_004055.5 (MANE Select); coding-DNA position 415, C replaced by T.
Protein change: p.Arg139Trp; replaces arginine 139 with tryptophan.
Molecular consequence: missense variant.
Genome position (GRCh38, 1-based): chr11:77,112,706, C>T. VCF-style: chr11-77112706-C-T. GRCh37 (hg19) VCF-style: chr11-76823752-C-T.
Other names: short protein forms R139W.
Identifiers: ClinVar variation 938890 (VCV000938890.9), dbSNP rs376991847, ClinGen allele CA6196431.